The following is an entry in ClinVar:

ClinVar aggregate classification (germline): Conflicting classifications of pathogenicity. Review status: criteria provided, conflicting classifications (1 of 4 stars). 3 submissions from 3 submitters: Uncertain significance (2); Likely benign (1). Last evaluated 2025-07-20.

Conditions:
Hereditary nonpolyposis colorectal neoplasms. Identifiers: MedGen C0009405, MeSH D003123.
Hereditary cancer-predisposing syndrome. Also called: Hereditary neoplastic syndrome; Neoplastic Syndromes, Hereditary; Tumor predisposition; Hereditary Cancer Syndrome. Identifiers: Orphanet 140162, MedGen C0027672, MeSH D009386, MONDO:0015356.

Allele frequency attached by ClinVar (database versions not stated): gnomAD exomes below 0.00001; ExAC 0.00001.
gnomAD v4.1: 2 of 1,614,178 alleles (0.00012%); highest among the groups gnomAD compares: Non-Finnish European, 0.00017%; no homozygotes.

Submissions (3):

Labcorp Genetics (formerly Invitae), Labcorp
Classification: Likely benign for Hereditary nonpolyposis colorectal neoplasms. Last evaluated: 2025-07-20. Review status: criteria provided, single submitter. Criteria: Invitae Variant Classification Sherloc (09022015). Collection method: clinical testing. Allele origin: germline.

Color Diagnostics, LLC DBA Color Health
Classification: Uncertain significance for Hereditary cancer-predisposing syndrome. Last evaluated: 2025-06-09. Review status: criteria provided, single submitter. Criteria: ACMG Guidelines, 2015. Collection method: clinical testing. Allele origin: germline.
Comment: This missense variant replaces threonine with alanine at codon 363 of the MSH6 protein. Computational prediction suggests that this variant may not impact protein structure and function. To our knowledge, functional studies have not been reported for this variant. This variant has not been reported in individuals affected with MSH6-related disorders in the literature. This variant has been identified in 1/251082 chromosomes in the general population by the Genome Aggregation Database (gnomAD). The available evidence is insufficient to determine the role of this variant in disease conclusively. Therefore, this variant is classified as a Variant of Uncertain Significance.

Ambry Genetics
Classification: Uncertain significance for Hereditary cancer-predisposing syndrome. Last evaluated: 2025-01-31. Review status: criteria provided, single submitter. Criteria: Ambry Variant Classification Scheme 2023. Collection method: clinical testing. Allele origin: germline.
Comment: The p.T363A variant (also known as c.1087A>G), located in coding exon 4 of the MSH6 gene, results from an A to G substitution at nucleotide position 1087. The threonine at codon 363 is replaced by alanine, an amino acid with similar properties. This amino acid position is conserved. In addition, this alteration is predicted to be tolerated by in silico analysis. Since supporting evidence is limited at this time, the clinical significance of this alteration remains unclear.

NM_000179.3(MSH6):c.1087A>G (p.Thr363Ala)

Gene: MSH6 (mutS homolog 6; plus strand). Cytogenetic location: 2p16.3.
Variant type: single nucleotide variant.
Coding change: c.1087A>G on transcript NM_000179.3 (MANE Select); coding-DNA position 1087, A replaced by G.
Protein change: p.Thr363Ala; replaces threonine 363 with alanine.
Molecular consequence: missense variant.
Genome position (GRCh38, 1-based): chr2:47,799,070, A>G. VCF-style: chr2-47799070-A-G. GRCh37 (hg19) VCF-style: chr2-48026209-A-G.
Other names: c.697A>G, p.Thr233Ala (NM_001281492.2); c.181A>G, p.Thr61Ala (NM_001281493.2, NM_001281494.2); short protein forms T363A, T233A, T61A.
Identifiers: ClinVar variation 941255 (VCV000941255.13), dbSNP rs764965018, ClinGen allele CA067143.